The following is an entry in ClinVar:

ClinVar aggregate classification (germline): Likely benign. Review status: criteria provided, single submitter (1 of 4 stars). 2 submissions from 2 submitters: Likely benign (1). 1 of the submissions does not count toward it. Last evaluated 2025-01-01.

Conditions:
BPTF-related disorder. Also called: BPTF-related condition.

Allele frequency attached by ClinVar (database versions not stated): gnomAD exomes 0.00003; ExAC 0.00004; ESP Exome Variant Server 0.00015; gnomAD 0.00020; TOPMed 0.00029.
gnomAD v4.1: 67 of 1,614,018 alleles (0.0042%); highest among the groups gnomAD compares: African/African-American, 0.081%; no homozygotes.

Submissions (2):

Labcorp Genetics (formerly Invitae), Labcorp
Classification: Likely benign. Last evaluated: 2025-01-01. Review status: criteria provided, single submitter. Criteria: Invitae Variant Classification Sherloc (09022015). Collection method: clinical testing. Allele origin: germline.

PreventionGenetics, part of Exact Sciences
Classification: Likely benign for BPTF-related condition. Last evaluated: 2019-04-10. Review status: no assertion criteria provided. Collection method: clinical testing. Allele origin: germline. Not counted in ClinVar's aggregate classification.
Comment: This variant is classified as likely benign based on ACMG/AMP sequence variant interpretation guidelines (Richards et al. 2015 PMID: 25741868, with internal and published modifications).

NM_182641.4(BPTF):c.4488C>T (p.Asn1496=)

Gene: BPTF (bromodomain PHD finger transcription factor; plus strand). Cytogenetic location: 17q24.2.
Variant type: single nucleotide variant.
Coding change: c.4488C>T on transcript NM_182641.4 (MANE Select); coding-DNA position 4488, C replaced by T.
Protein change: p.Asn1496=; no amino-acid change (asparagine 1496 retained).
Molecular consequence: synonymous variant.
Genome position (GRCh38, 1-based): chr17:67,912,372, C>T. VCF-style: chr17-67912372-C-T. GRCh37 (hg19) VCF-style: chr17-65908488-C-T.
Other names: c.4866C>T, p.Asn1622= (NM_004459.7); c.4488C>T (NM_182641.3).
Identifiers: ClinVar variation 2173125 (VCV002173125.6), dbSNP rs148696633, ClinGen allele CA8725809.